The following is an entry in ClinVar:

ClinVar aggregate classification (germline): Benign/Likely benign. Review status: criteria provided, multiple submitters, no conflicts (2 of 4 stars). 8 submissions from 8 submitters: Benign (1); Likely benign (7). Last evaluated 2026-04-14.

Conditions:
Familial intrahepatic cholestasis. Identifiers: Orphanet 284385, MedGen CN296401, MONDO:0017290.
Inborn genetic diseases. Identifiers: MedGen C0950123, MeSH D030342.

Allele frequency attached by ClinVar (database versions not stated): gnomAD exomes 0.00027 and 0.00055; ExAC 0.00057; ESP Exome Variant Server 0.00154; gnomAD 0.00170 and 0.00177; 1000 Genomes Project 30x 0.00172; TOPMed 0.00178; 1000 Genomes Project 0.00200.
gnomAD v4.1: 669 of 1,614,092 alleles (0.041%); highest among the groups gnomAD compares: African/African-American, 0.59%; 5 homozygotes.

Submissions (8):

Genomenon, Inc
Classification: Likely benign for Familial intrahepatic cholestasis. Last evaluated: 2026-04-14. Review status: criteria provided, single submitter. Criteria: Genomenon Sequence Variant Interpretation Standards - Updated. Collection method: curation. Allele origin: germline. Affected: yes.
Comment: ABCB4 c.456G>A is a synonymous variant that retains Lysine at residue 152. This variant has been observed in at least one proband with an ABCB4-related disorder (PMID:33915153). This synonymous variant is not predicted to impact splicing. In conclusion, we classify ABCB4 p.Lys152= (c.456G>A) as a likely benign variant.

Labcorp Genetics (formerly Invitae), Labcorp
Classification: Benign. Last evaluated: 2026-01-28. Review status: criteria provided, single submitter. Criteria: Invitae Variant Classification Sherloc (09022015). Collection method: clinical testing. Allele origin: germline.

Mayo Clinic Laboratories, Mayo Clinic
Classification: Likely benign. Last evaluated: 2025-08-15. Review status: criteria provided, single submitter. Criteria: ACMG Guidelines, 2015. Collection method: clinical testing. Allele origin: germline. Observed: 2 variant alleles.
Comment: BS1, BP4, BP7

Ambry Genetics
Classification: Likely benign for Inborn genetic diseases. Last evaluated: 2024-12-10. Review status: criteria provided, single submitter. Criteria: Ambry Variant Classification Scheme 2023. Collection method: clinical testing. Allele origin: germline.

Blueprint Genetics
Classification: Likely benign. Last evaluated: 2024-11-06. Review status: criteria provided, single submitter. Criteria: ACMG Guidelines, 2015. Collection method: clinical testing. Allele origin: germline.

GeneDx
Classification: Likely benign. Last evaluated: 2017-08-14. Review status: criteria provided, single submitter. Criteria: GeneDx Variant Classification (06012015). Collection method: clinical testing. Allele origin: germline. Affected: yes.
Comment: This variant is considered likely benign or benign based on one or more of the following criteria: it is a conservative change, it occurs at a poorly conserved position in the protein, it is predicted to be benign by multiple in silico algorithms, and/or has population frequency not consistent with disease.

Eurofins Ntd Llc (ga)
Classification: Likely benign. Last evaluated: 2017-04-21. Review status: criteria provided, single submitter. Criteria: EGL Classification Definitions 2015. Collection method: clinical testing. Allele origin: germline. Observed: 3 variant alleles, 3 heterozygotes.

Breakthrough Genomics
Classification: Likely benign. Review status: criteria provided, single submitter. Criteria: ACMG Guidelines, 2015. Collection method: not provided. Allele origin: germline. Inheritance: Autosomal recessive inheritance. Affected: yes.

Literature cited by the submitters: PubMed 33915153 (cited by Genomenon, Inc and Mayo Clinic Laboratories, Mayo Clinic).

NM_000443.4(ABCB4):c.456G>A (p.Lys152=)

Gene: ABCB4 (ATP binding cassette subfamily B member 4; minus strand). Cytogenetic location: 7q21.12.
Variant type: single nucleotide variant.
Coding change: c.456G>A on transcript NM_000443.4 (MANE Select); coding-DNA position 456, G replaced by A.
Protein change: p.Lys152=; no amino-acid change (lysine 152 retained).
Molecular consequence: synonymous variant.
Genome position (GRCh38, 1-based): chr7:87,453,024, C>T on the plus strand (G>A on the coding strand, the complement: ABCB4 is on the minus strand). VCF-style: chr7-87453024-C-T. GRCh37 (hg19) VCF-style: chr7-87082340-C-T.
Other names: p.Lys152=; c.456G>A, p.Lys152= (NM_018849.3, NM_018850.3).
Identifiers: ClinVar variation 380516 (VCV000380516.18), dbSNP rs147333055, ClinGen allele CA4327538.